The following is an entry in ClinVar:

ClinVar aggregate classification (germline): Uncertain significance (1 of 4 stars; one submission).

Submission:

Ambry Genetics
Classification: Uncertain significance. Last evaluated: 2025-03-17. Review status: criteria provided, single submitter. Criteria: Ambry Variant Classification Scheme 2023. Collection method: clinical testing. Allele origin: germline.
Comment: The p.H1458P variant (also known as c.4373A>C), located in coding exon 14 of the CDK12 gene, results from an A to C substitution at nucleotide position 4373. The histidine at codon 1458 is replaced by proline, an amino acid with similar properties. This amino acid position is conserved. In addition, this alteration is predicted to be tolerated by in silico analysis. Based on the available evidence, the clinical significance of this variant remains unclear.

NM_016507.4(CDK12):c.4373A>C (p.His1458Pro)

Gene: CDK12 (cyclin dependent kinase 12; plus strand). Cytogenetic location: 17q12.
Variant type: single nucleotide variant.
Coding change: c.4373A>C on transcript NM_016507.4 (MANE Select); coding-DNA position 4373, A replaced by C.
Protein change: p.His1458Pro; replaces histidine 1458 with proline.
Molecular consequence: missense variant.
Genome position (GRCh38, 1-based): chr17:39,531,216, A>C. VCF-style: chr17-39531216-A-C. GRCh37 (hg19) VCF-style: chr17-37687469-A-C.
Other names: c.4346A>C, p.His1449Pro (NM_015083.4); short protein forms H1449P, H1458P.
Identifiers: ClinVar variation 3999234 (VCV003999234.1).
Genomic context (GRCh38, chr17:39,531,216, plus strand): 5'-AAAACTATGGGGAGCTGGGGCCAGGAACCACTGGGGCCAGCAGCTCAGGAGCAGGCCTTC[A>C]CTGGGGGGGCCCAACTCAGTCTTCTGCTTATGGAAAACTCTATCGGGGGCCTACAAGAGT-3'
Protein context (NP_057591.2, residues 1448-1468): TGASSSGAGL[His1458Pro]WGGPTQSSAY